The following is an entry in ClinVar:

Conditions:
Breast-ovarian cancer, familial, susceptibility to, 1 (BROVCA1). Also called: BRCA1 Hereditary Breast and Ovarian Cancer; OVARIAN CANCER, SUSCEPTIBILITY TO. Identifiers: Orphanet 145, MedGen C2676676, MONDO:0011450, OMIM 604370. Disease mechanism: loss of function.

Submission:

Brotman Baty Institute, University of Washington
No classification provided (evidence only). Condition: Breast-ovarian cancer, familial 1. Review status: no classification provided. Collection method: in vitro. Allele origin: not applicable. Functional consequence: functionally_normal.
ClinVar note: "not provided" was previously submitted as the classification for the variant. However, the classification appeared to be based only on an observation of functional data so it was converted to no classification on 2025-07-30.

NM_007294.4(BRCA1):c.5235C>T (p.Asn1745=)

Gene: BRCA1 (BRCA1 DNA repair associated; minus strand). Cytogenetic location: 17q21.31.
Variant type: single nucleotide variant.
Coding change: c.5235C>T on transcript NM_007294.4 (MANE Select); coding-DNA position 5235, C replaced by T.
Protein change: p.Asn1745=; no amino-acid change (asparagine 1745 retained).
Molecular consequence: synonymous variant.
Genome position (GRCh38, 1-based): chr17:43,057,094, G>A on the plus strand (C>T on the coding strand, the complement: BRCA1 is on the minus strand). VCF-style: chr17-43057094-G-A. GRCh37 (hg19) VCF-style: chr17-41209111-G-A.
Other names: c.5022C>T, p.Asn1674= (NM_001407571.1, NM_001407894.1, NM_001407895.1 and 12 more transcripts); c.5301C>T, p.Asn1767= (NM_001407581.1, NM_001407582.1); c.5298C>T, p.Asn1766= (NM_001407583.1, NM_001407585.1, NM_001407587.1 and 1 more transcripts); c.5295C>T, p.Asn1765= (NM_001407590.1, NM_001407591.1); c.5235C>T, p.Asn1745= (NM_001407593.1, NM_001407594.1, NM_001407596.1 and 7 more transcripts); c.5232C>T, p.Asn1744= (NM_001407610.1, NM_001407611.1, NM_001407612.1 and 17 more transcripts); c.5229C>T, p.Asn1743= (NM_001407627.1, NM_001407628.1, NM_001407629.1 and 14 more transcripts); c.5226C>T, p.Asn1742= (NM_001407644.1, NM_001407645.1); and 72 more.
Identifiers: ClinVar variation 865188 (VCV000865188.3), dbSNP rs2051513534, ClinGen allele CA500144702.
Genomic context (GRCh38, chr17:43,057,094, plus strand): 5'-TGAGGGAGGGAGCTTTACCTTTCTGTCCTGGGATTCTCTTGCTCGCTTTGGACCTTGGTG[G>A]TTTCTTCCATTGACCACATCTCCTCTGACTTCAAAATCATGCTGAAAGAAACCAAACACA-3'
Protein context (NP_009225.1, residues 1735-1755): EVRGDVVNGR[Asn1745=]HQGPKRARES